The following is an entry in ClinVar:

ClinVar aggregate classification (germline): Uncertain significance (1 of 4 stars; one submission).

Submission:

Labcorp Genetics (formerly Invitae), Labcorp
Classification: Uncertain significance. Last evaluated: 2022-03-28. Review status: criteria provided, single submitter. Criteria: Invitae Variant Classification Sherloc (09022015). Collection method: clinical testing. Allele origin: germline.
Comment: In summary, the available evidence is currently insufficient to determine the role of this variant in disease. Therefore, it has been classified as a Variant of Uncertain Significance. Algorithms developed to predict the effect of missense changes on protein structure and function are either unavailable or do not agree on the potential impact of this missense change (SIFT: "Not Available"; PolyPhen-2: "Benign"; Align-GVGD: "Not Available"). This variant has not been reported in the literature in individuals affected with C1QBP-related conditions. Information on the frequency of this variant in the gnomAD database is not available, as this variant may be reported differently in the database. This sequence change replaces leucine, which is neutral and non-polar, with proline, which is neutral and non-polar, at codon 38 of the C1QBP protein (p.Leu38Pro).

NM_001212.4(C1QBP):c.113_114inv (p.Leu38Pro)

Gene: C1QBP (complement C1q binding protein; minus strand). Cytogenetic location: 17p13.2.
Variant type: Inversion.
Coding change: c.113_114inv on transcript NM_001212.4 (MANE Select).
Protein change: p.Leu38Pro; replaces leucine 38 with proline.
Molecular consequence: missense variant.
Genome position: GRCh38 VCF-style: chr17-5438960-CA-TG. GRCh37 (hg19) VCF-style: chr17-5342280-CA-TG.
Other names: short protein forms L38P.
Identifiers: ClinVar variation 2119139 (VCV002119139.4), ClinGen allele CA2580093539.